The following is an entry in ClinVar:

ClinVar aggregate classification (germline): Likely benign (1 of 4 stars; one submission).

Conditions:
CUL4B-related disorder. Also called: CUL4B-related condition.

gnomAD v4.1: 20 of 1,097,742 alleles (0.0018%); highest among the groups gnomAD compares: East Asian, 0.006%; no homozygotes.

Submission:

PreventionGenetics, part of Exact Sciences
Classification: Likely benign for CUL4B-related condition. Last evaluated: 2025-01-30. Review status: criteria provided, single submitter. Criteria: ACMG Guidelines, 2015. Collection method: clinical testing. Allele origin: germline.
Comment: This variant is classified as likely benign based on ACMG/AMP sequence variant interpretation guidelines (Richards et al. 2015 PMID: 25741868, with internal and published modifications).

NM_001079872.2(CUL4B):c.672+7A>G

Gene: CUL4B (cullin 4B; minus strand). Cytogenetic location: Xq24.
Variant type: single nucleotide variant.
Coding change: c.672+7A>G on transcript NM_001079872.2 (MANE Select); 7 bases into the intron after coding-DNA position 672, A replaced by G.
Molecular consequence: intron variant.
Genome position (GRCh38, 1-based): chrX:120,557,917, T>C on the plus strand (A>G on the coding strand, the complement: CUL4B is on the minus strand). VCF-style: chrX-120557917-T-C. GRCh37 (hg19) VCF-style: chrX-119691772-T-C.
Other names: c.726+7A>G (NM_003588.4); c.687+7A>G (NM_001330624.2); c.138+7A>G (NM_001369145.1).
Identifiers: ClinVar variation 4990647 (VCV004990647.1).
Genomic context (GRCh38, chrX:120,557,917, plus strand): 5'-GCAAAATCCATATACATCCCACCTCAATTTATGTTAATCAAATCTGGTTATGCATATTAA[T>C]ACATACCTGGTAGAGTTCTTCTAAATTGTACTTAATTGAAGTACTATTCTGAATAGCTTC-3'